The following is an entry in ClinVar:

ClinVar aggregate classification (germline): Conflicting classifications of pathogenicity. Review status: criteria provided, conflicting classifications (1 of 4 stars). 5 submissions from 5 submitters: Likely pathogenic (2); Uncertain significance (3). Last evaluated 2024-09-25.

Conditions:
Hereditary cancer-predisposing syndrome. Also called: Tumor predisposition; Hereditary Cancer Syndrome; Hereditary neoplastic syndrome; Neoplastic Syndromes, Hereditary. Identifiers: Orphanet 140162, MedGen C0027672, MeSH D009386, MONDO:0015356.
Hereditary breast ovarian cancer syndrome. Also called: Breast and ovarian cancer; Hereditary breast and/or ovarian cancer syndrome; BRCA1- and BRCA2-Associated Hereditary Breast and Ovarian Cancer; Hereditary breast and ovarian cancer syndrome; Hereditary breast and ovarian cancer syndrome (HBOC); Hereditary breast and ovarian cancer. Identifiers: Orphanet 145, MedGen C0677776, MeSH D061325, MONDO:0003582. Disease mechanism: loss of function.
Breast-ovarian cancer, familial, susceptibility to, 1 (BROVCA1). Also called: BRCA1 Hereditary Breast and Ovarian Cancer; OVARIAN CANCER, SUSCEPTIBILITY TO. Identifiers: Orphanet 145, MedGen C2676676, MONDO:0011450, OMIM 604370. Disease mechanism: loss of function.

Submissions (6):

Ambry Genetics
Classification: Likely pathogenic for Hereditary cancer-predisposing syndrome. Last evaluated: 2024-09-25. Review status: criteria provided, single submitter. Criteria: Ambry Variant Classification Scheme 2023. Collection method: clinical testing. Allele origin: germline.
Comment: The p.V1842E variant (also known as c.5525T>A), located in coding exon 22 of the BRCA1 gene, results from a T to A substitution at nucleotide position 5525. The valine at codon 1842 is replaced by glutamic acid, an amino acid with dissimilar properties. One functional study found that this nucleotide substitution is non-functional in a high-throughput, genome editing, haploid cell survival assay (Findlay GM et al. Nature, 2018 10;562:217-222). This variant was also non-functional in a homology directed repair and cisplatin resistance protein functional assay (Adamovich AI et al. Am J Hum Genet, 2022 Apr;109:618-630).This amino acid position is not well conserved in available vertebrate species. In addition, this alteration is predicted to be deleterious by in silico analysis. This variant is considered to be rare based on population cohorts in the Genome Aggregation Database (gnomAD). Based on the majority of available evidence to date, this variant is likely to be pathogenic.

Lupski Lab, Baylor-Hopkins CMG, Baylor College of Medicine
Classification: Likely pathogenic for Breast-ovarian cancer, familial, susceptibility to, 1. Last evaluated: 2024-04-12. Review status: criteria provided, single submitter. Criteria: Dawood et al. (medRxiv. 2024). Collection method: curation. Allele origin: germline.
Comment: Each variant was annotated with functional scores from MAVE data which was translated into functional evidence codes. All other evidence codes and combining criteria were adhered to as closely as possible based on the ClinGen VCEP (Variant Curation Expert Panel) gene-specific recommendations. See Supplemental Figure 34 of final paper (Supp Fig. 28 in preprint: doi:10.1101/2024.04.11.24305690) for a table to see which lines of evidence we did not have data for. The ClinGen VCEPs are highly regarded as the gold-standard for gene-specific variant curation and are developed after extensive evaluation of the evidence by clinical and scientific experts for the particular gene to classify genomic variants on a spectrum from pathogenic to benign using the 2015 ACMG/AMP Variant Interpretation Guidelines as a backbone (PMID: 25741868). Reclassification of these VUS variants from gnomAD or All of Us focused only on variants originally prescribed as VUS in ClinVar. To ensure reproducibility, transparency, and increased throughput, all the procedures for annotating variants and assigning evidence codes were codified using Python. All code has been made freely available and is linked in the Code Availability section and all reclassified variants with evidence codes used can be found in Tables S18-19 (preprint: doi:10.1101/2024.04.11.24305690). For the MAVE data, the clinical curation and clinical strength assignment as per the ClinGen recommendations in Brnich et al. (2020) (PMID: 31892348) for or against pathogenicity or benignity of each of these MAVE datasets utilized in this study were previously published in Fayer et al. (2021) (PMID: 34793697).In brief, for BRCA1 variants, if a variant was categorized as FUNC (functional), it was assigned BS3 evidence and no PS3 evidence, whereas if it was categorized as LOF (loss of function), the variant was assigned PS3 evidence and no BS3 evidence. Variants categorized as INT (intermediate) were left unannotated. For the BRCA1 combining criteria, greater than or equal to 1 criteria of strong benign evidence was enough to reclassify the VUS as Likely Benign. This variant GRCh38:17:43045745:A>T was assigned evidence codes ['PS3', 'PP3', 'PM2_Supporting'] and an overall classification of Likely pathogenic

All of Us Research Program, National Institutes of Health
Classification: Uncertain significance for Breast-ovarian cancer, familial, susceptibility to, 1. Last evaluated: 2023-05-31. Review status: criteria provided, single submitter. Criteria: ACMG Guidelines, 2015. Collection method: clinical testing. Allele origin: germline. Inheritance: Autosomal dominant inheritance. Observed: 1 variant allele, 1 heterozygote.
Comment: This study involves interpretation of variants in research participants for the purpose of population health screening. Participant phenotype was not available at the time of variant classification. Additional details can be found in publication PMID: 35346344, PMCID: PMC8962531

Labcorp Genetics (formerly Invitae), Labcorp
Classification: Uncertain significance for Hereditary breast ovarian cancer syndrome. Last evaluated: 2023-02-14. Review status: criteria provided, single submitter. Criteria: Invitae Variant Classification Sherloc (09022015). Collection method: clinical testing. Allele origin: germline.
Comment: This sequence change replaces valine, which is neutral and non-polar, with glutamic acid, which is acidic and polar, at codon 1842 of the BRCA1 protein (p.Val1842Glu). This variant is not present in population databases (gnomAD no frequency). This variant has not been reported in the literature in individuals affected with BRCA1-related conditions. ClinVar contains an entry for this variant (Variation ID: 481475). Advanced modeling performed at Invitae incorporating data from internal and/or published experimental studies (PMID: 30209399) indicates that this missense variant is expected to disrupt BRCA1 function. In summary, the available evidence is currently insufficient to determine the role of this variant in disease. Therefore, it has been classified as a Variant of Uncertain Significance.

Molecular Endocrinology Laboratory, Christian Medical College
Classification: Uncertain significance for Breast-ovarian cancer, familial, susceptibility to, 1. Review status: criteria provided, single submitter. Criteria: ACMG Guidelines, 2015. Collection method: clinical testing. Allele origin: germline. Affected: yes.

Brotman Baty Institute, University of Washington
No classification provided (evidence only). Condition: Breast-ovarian cancer, familial 1. Review status: no classification provided. Collection method: in vitro. Allele origin: not applicable. Functional consequence: functionally_abnormal. Not counted in ClinVar's aggregate classification.
ClinVar note: "not provided" was previously submitted as the classification for the variant. However, the classification appeared to be based only on an observation of functional data so it was converted to no classification on 2025-07-30.

Literature cited by the submitters: PubMed 30209399 (cited by Ambry Genetics and Labcorp Genetics (formerly Invitae), Labcorp); PubMed 35196514 (cited by Ambry Genetics); PubMed 39142283 (cited by Lupski Lab, Baylor-Hopkins CMG, Baylor College of Medicine); PubMed 34793697 (cited by Lupski Lab, Baylor-Hopkins CMG, Baylor College of Medicine); DOI 10.1101/2024.04.11.24305690 (cited by Lupski Lab, Baylor-Hopkins CMG, Baylor College of Medicine).

NM_007294.4(BRCA1):c.5525T>A (p.Val1842Glu)

Gene: BRCA1 (BRCA1 DNA repair associated; minus strand). Cytogenetic location: 17q21.31.
Variant type: single nucleotide variant.
Coding change: c.5525T>A on transcript NM_007294.4 (MANE Select); coding-DNA position 5525, T replaced by A.
Protein change: p.Val1842Glu; replaces valine 1842 with glutamic acid.
Molecular consequence: missense variant. On other transcripts: 3 prime UTR variant (1), non-coding transcript variant (1).
Genome position (GRCh38, 1-based): chr17:43,045,745, A>T on the plus strand (T>A on the coding strand, the complement: BRCA1 is on the minus strand). VCF-style: chr17-43045745-A-T. GRCh37 (hg19) VCF-style: chr17-41197762-A-T.
Other names: c.5312T>A, p.Val1771Glu (NM_001407571.1, NM_001407894.1, NM_001407895.1 and 12 more transcripts); c.5591T>A, p.Val1864Glu (NM_001407581.1, NM_001407582.1); c.5588T>A, p.Val1863Glu (NM_001407583.1, NM_001407585.1, NM_001407587.1 and 1 more transcripts); c.5585T>A, p.Val1862Glu (NM_001407590.1, NM_001407591.1); c.5525T>A, p.Val1842Glu (NM_001407593.1, NM_001407594.1, NM_001407596.1 and 5 more transcripts); c.5522T>A, p.Val1841Glu (NM_001407618.1, NM_001407619.1, NM_001407620.1 and 14 more transcripts); c.5519T>A, p.Val1840Glu (NM_001407637.1, NM_001407638.1, NM_001407639.1 and 13 more transcripts); c.5516T>A, p.Val1839Glu (NM_001407644.1, NM_001407645.1); and 74 more; short protein forms V1842E, V738E, V1863E, V1795E, V1688E, V1713E, V1715E, V1754E.
Identifiers: ClinVar variation 481475 (VCV000481475.14), dbSNP rs1555574400, ClinGen allele CA10590268.
Genomic context (GRCh38, chr17:43,045,745, plus strand): 5'-TGGCTGTGGGGGATCTGGGGTATCAGGTAGGTGTCCAGCTCCTGGCACTGGTAGAGTGCT[A>T]CACTGTCCAACACCCACTCTCGGGTCACCACAGGTGCCTCACACATCTGCCCAATTGCTG-3'
Protein context (NP_009225.1, residues 1832-1852): VVTREWVLDS[Val1842Glu]ALYQCQELDT